The following is an entry in ClinVar:

NM_033305.3(VPS13A):c.8323A>T (p.Lys2775Ter)

Gene: VPS13A (vacuolar protein sorting 13 homolog A; plus strand). Cytogenetic location: 9q21.2.
Variant type: single nucleotide variant.
Coding change: c.8323A>T on transcript NM_033305.3 (MANE Select); coding-DNA position 8323, A replaced by T.
Protein change: p.Lys2775Ter; replaces lysine 2775 with a stop codon.
Molecular consequence: nonsense.
Genome position (GRCh38, 1-based): chr9:77,365,571, A>T. VCF-style: chr9-77365571-A-T. GRCh37 (hg19) VCF-style: chr9-79980487-A-T.
Other names: c.8206A>T, p.Lys2736Ter (NM_001018037.2); c.8323A>T, p.Lys2775Ter (NM_001018038.3, NM_015186.4); short protein forms K2736*, K2775*.
Identifiers: ClinVar variation 5013530 (VCV005013530.1).

ClinVar aggregate classification (germline): Pathogenic (1 of 4 stars; one submission).

Conditions:
VPS13A-related neurodegenerative disease. Also called: ACANTHOCYTOSIS WITH NEUROLOGIC DISORDER; LEVINE-CRITCHLEY SYNDROME; Choreoacanthocytosis; Chorea-acanthocytosis; Choreaacanthocytosis; VPS13A Disease. Identifiers: Orphanet 2388, MedGen C0393576, MONDO:0008695, OMIM 200150.

Submission:

Myriad Genetics, Inc.
Classification: Pathogenic for VPS13A-related neurodegenerative disease. Last evaluated: 2024-09-04. Review status: criteria provided, single submitter. Criteria: Myriad Autosomal Dominant, Autosomal Recessive and X-Linked Classification Criteria (2023). Collection method: clinical testing. Allele origin: unknown.
Comment: NM_033305.2(VPS13A):c.8323A>T(K2775*) is expected to be pathogenic in the context of VPS13A disease. This variant is predicted to lead to an abnormal or absent protein product due to the creation of a premature termination codon in VPS13A, a gene where loss-of-function variants are known to be pathogenic. Please note: this variant was assessed in the context of healthy population screening.